The following is an entry in ClinVar:

ClinVar aggregate classification (germline): Uncertain significance (1 of 4 stars; one submission).

gnomAD v4.1: 3 of 1,613,170 alleles (0.00019%); highest among the groups gnomAD compares: Non-Finnish European, 0.00025%; no homozygotes.

Submission:

Labcorp Genetics (formerly Invitae), Labcorp
Classification: Uncertain significance. Last evaluated: 2019-07-30. Review status: criteria provided, single submitter. Criteria: Invitae Variant Classification Sherloc (09022015). Collection method: clinical testing. Allele origin: germline.
Comment: This variant has not been reported in the literature in individuals with ZNF513-related conditions. In summary, the available evidence is currently insufficient to determine the role of this variant in disease. Therefore, it has been classified as a Variant of Uncertain Significance. Algorithms developed to predict the effect of missense changes on protein structure and function (SIFT, PolyPhen-2, Align-GVGD) all suggest that this variant is likely to be disruptive, but these predictions have not been confirmed by published functional studies and their clinical significance is uncertain. This variant is not present in population databases (ExAC no frequency). This sequence change replaces serine with phenylalanine at codon 89 of the ZNF513 protein (p.Ser89Phe). The serine residue is highly conserved and there is a large physicochemical difference between serine and phenylalanine.

NM_144631.6(ZNF513):c.266C>T (p.Ser89Phe)

Gene: ZNF513 (zinc finger protein 513; minus strand). Cytogenetic location: 2p23.3.
Variant type: single nucleotide variant.
Coding change: c.266C>T on transcript NM_144631.6 (MANE Select); coding-DNA position 266, C replaced by T.
Protein change: p.Ser89Phe; replaces serine 89 with phenylalanine.
Molecular consequence: missense variant.
Genome position (GRCh38, 1-based): chr2:27,379,000, G>A on the plus strand (C>T on the coding strand, the complement: ZNF513 is on the minus strand). VCF-style: chr2-27379000-G-A. GRCh37 (hg19) VCF-style: chr2-27601867-G-A.
Other names: c.80C>T, p.Ser27Phe (NM_001201459.2); short protein forms S27F, S89F.
Identifiers: ClinVar variation 959070 (VCV000959070.9), dbSNP rs1295447863, ClinGen allele CA346218715.